The following is an entry in ClinVar:

ClinVar aggregate classification (germline): Conflicting classifications of pathogenicity. Review status: criteria provided, conflicting classifications (1 of 4 stars). 22 submissions from 18 submitters: Uncertain significance (3); Benign (11); Likely benign (6). 2 of the submissions do not count toward it. Last evaluated 2026-09-01.

Conditions:
Dilated cardiomyopathy 1G (CMD1G). Identifiers: Orphanet 154, MedGen C1858763, MONDO:0011400, OMIM 604145.
Autosomal recessive limb-girdle muscular dystrophy type 2J (LGMDR10). Also called: MUSCULAR DYSTROPHY, LIMB-GIRDLE, AUTOSOMAL RECESSIVE 10; Limb-girdle muscular dystrophy, type 2J. Identifiers: Orphanet 140922, MedGen C1837342, MONDO:0012127, OMIM 608807.
Cardiovascular phenotype. Identifiers: MedGen CN230736.
TTN-related myopathy. Identifiers: MedGen CN294812, MONDO:0100175.
TTN-related disorder. Also called: TTN-related disorders; TTN-related condition; TTN-related disease.
Cardiomyopathy (CMYO). Also called: Cardiomyopathies. Identifiers: Orphanet 167848, MedGen C0878544, MONDO:0004994, HP:0001638. Inheritance: Various modes of inheritance.
Early-onset myopathy with fatal cardiomyopathy (CMYO5). Also called: CONGENITAL MYOPATHY 5 WITH CARDIOMYOPATHY; Salih Myopathy. Identifiers: Orphanet 289377, MedGen C2673677, MONDO:0012714, OMIM 611705. Disease mechanism: loss of function.
Myopathy, myofibrillar, 9, with early respiratory failure (MFM9). Also called: Myopathy, distal, with early respiratory failure, autosomal dominant; Hereditary myopathy with early respiratory failure; MYOPATHY, PROXIMAL, WITH EARLY RESPIRATORY MUSCLE INVOLVEMENT; EDSTROM MYOPATHY. Identifiers: Orphanet 178464, Orphanet 34521, MedGen C1863599, MONDO:0011362, OMIM 603689.
Tibial muscular dystrophy (TMD). Also called: Udd Distal Myopathy – Tibial Muscular Dystrophy; Tibial muscular dystrophy, tardive; UDD MYOPATHY. Identifiers: Orphanet 609, MedGen C1838244, MONDO:0010870, OMIM 600334.
Tip-toe gait. Also called: Toe walking. Identifiers: MedGen C0427144, HP:0030051.

Allele frequency attached by ClinVar (database versions not stated): ExAC 0.00382; gnomAD exomes 0.00365 and 0.00603; TOPMed 0.00383; 1000 Genomes Project 30x 0.00109; ESP Exome Variant Server 0.00458; 1000 Genomes Project 0.00040; gnomAD 0.00389 and 0.00400.

Submissions (22):

CeGaT Center for Human Genetics Tuebingen
Classification: Likely benign. Last evaluated: 2026-09-01. Review status: criteria provided, single submitter. Criteria: CeGaT Center For Human Genetics Tuebingen Variant Classification Criteria Version 2. Collection method: clinical testing. Allele origin: germline. Affected: yes. Observed: 56 variant alleles.
Comment: TTN: BP4, BP7, BS2

Labcorp Genetics (formerly Invitae), Labcorp
Classification: Benign for Dilated cardiomyopathy 1G; Autosomal recessive limb-girdle muscular dystrophy type 2J. Last evaluated: 2026-01-31. Review status: criteria provided, single submitter. Criteria: Invitae Variant Classification Sherloc (09022015). Collection method: clinical testing. Allele origin: germline.

Molecular Diagnostic Laboratory for Inherited Cardiovascular Disease, Montreal Heart Institute
Classification: Benign. Last evaluated: 2025-04-09. Review status: criteria provided, single submitter. Criteria: ACMG Guidelines, 2015. Collection method: clinical testing. Allele origin: germline. Affected: no.

Blueprint Genetics
Classification: Likely benign. Last evaluated: 2024-11-21. Review status: criteria provided, single submitter. Criteria: ACMG Guidelines, 2015. Collection method: clinical testing. Allele origin: germline.

Athena Diagnostics
Classification: Benign. Last evaluated: 2024-03-15. Review status: criteria provided, single submitter. Criteria: Athena Diagnostics Criteria. Collection method: clinical testing. Allele origin: unknown.

ARUP Laboratories, Molecular Genetics and Genomics, ARUP Laboratories
Classification: Likely benign. Last evaluated: 2023-12-27. Review status: criteria provided, single submitter. Criteria: ARUP Molecular Germline Variant Investigation Process 2024. Collection method: clinical testing. Allele origin: germline.

Mayo Clinic Laboratories, Mayo Clinic
Classification: Benign. Last evaluated: 2023-06-08. Review status: criteria provided, single submitter. Criteria: ACMG Guidelines, 2015. Collection method: clinical testing. Allele origin: germline. Observed: 24 variant alleles.
Comment: BS1, BS2, BP4, BP7

Molecular Genetics, Royal Melbourne Hospital
Classification: Likely benign for TTN-related myopathy. Last evaluated: 2023-06-06. Review status: criteria provided, single submitter. Criteria: ACMG Guidelines, 2015. Collection method: clinical testing. Allele origin: germline. Inheritance: Autosomal recessive inheritance. Affected: no.

Women's Health and Genetics/Laboratory Corporation of America, LabCorp
Classification: Benign. Last evaluated: 2021-11-29. Review status: criteria provided, single submitter. Criteria: LabCorp Variant Classification Summary - May 2015. Collection method: clinical testing. Allele origin: germline.

Illumina Laboratory Services, Illumina
Classification: Benign for Myopathy, myofibrillar, 9, with early respiratory failure. Last evaluated: 2018-01-12. Review status: criteria provided, single submitter. Criteria: ICSL Variant Classification Criteria 13 December 2019. Collection method: clinical testing. Allele origin: germline.
Comment: This variant was observed in the ICSL laboratory as part of a predisposition screen in an ostensibly healthy population. It had not been previously curated by ICSL or reported in the Human Gene Mutation Database (HGMD: prior to June 1st, 2018), and was therefore a candidate for classification through an automated scoring system. Utilizing variant allele frequency, disease prevalence and penetrance estimates, and inheritance mode, an automated score was calculated to assess if this variant is too frequent to cause the disease. Based on the score and internal cut-off values, a variant classified as benign is not then subjected to further curation. The score for this variant resulted in a classification of benign for this disease.

Illumina Laboratory Services, Illumina
Classification: Benign for Tibial muscular dystrophy. Last evaluated: 2018-01-12. Review status: criteria provided, single submitter. Criteria: ICSL Variant Classification Criteria 13 December 2019. Collection method: clinical testing. Allele origin: germline.
Comment: the same text as in the submission from Illumina Laboratory Services, Illumina above.

Illumina Laboratory Services, Illumina
Classification: Uncertain significance for Autosomal recessive limb-girdle muscular dystrophy type 2J. Last evaluated: 2018-01-12. Review status: criteria provided, single submitter. Criteria: ICSL Variant Classification Criteria 13 December 2019. Collection method: clinical testing. Allele origin: germline.

Illumina Laboratory Services, Illumina
Classification: Uncertain significance for Early-onset myopathy with fatal cardiomyopathy. Last evaluated: 2018-01-12. Review status: criteria provided, single submitter. Criteria: ICSL Variant Classification Criteria 13 December 2019. Collection method: clinical testing. Allele origin: germline.

Illumina Laboratory Services, Illumina
Classification: Uncertain significance for Dilated cardiomyopathy 1G. Last evaluated: 2018-01-12. Review status: criteria provided, single submitter. Criteria: ICSL Variant Classification Criteria 13 December 2019. Collection method: clinical testing. Allele origin: germline.

CHEO Genetics Diagnostic Laboratory, Children's Hospital of Eastern Ontario
Classification: Benign for Cardiomyopathy. Last evaluated: 2017-11-02. Review status: criteria provided, single submitter. Criteria: ACMG Guidelines, 2015. Collection method: clinical testing. Allele origin: germline.

Genetic Services Laboratory, University of Chicago
Classification: Likely benign. Last evaluated: 2017-02-08. Review status: criteria provided, single submitter. Criteria: ACMG Guidelines, 2015. Collection method: clinical testing. Allele origin: germline. Affected: no.

Eurofins Ntd Llc (ga)
Classification: Benign. Last evaluated: 2015-07-14. Review status: criteria provided, single submitter. Criteria: EGL Classification Definitions 2015. Collection method: clinical testing. Allele origin: germline. Observed: 1 variant allele, 1 heterozygote.

GeneDx
Classification: Benign. Last evaluated: 2013-03-25. Review status: criteria provided, single submitter. Criteria: GeneDx Variant Classification (06012015). Collection method: clinical testing. Allele origin: germline. Affected: yes.
Comment: This variant is considered likely benign or benign based on one or more of the following criteria: it is a conservative change, it occurs at a poorly conserved position in the protein, it is predicted to be benign by multiple in silico algorithms, and/or has population frequency not consistent with disease.

Ambry Genetics
Classification: Likely benign for Cardiovascular phenotype. Last evaluated: 2013-03-18. Review status: criteria provided, single submitter. Criteria: Ambry Autosomal Dominant and X-Linked criteria (10/2015). Collection method: clinical testing. Allele origin: germline. Observed: 1 variant allele.

Laboratory for Molecular Medicine, Mass General Brigham Personalized Medicine
Classification: Benign. Last evaluated: 2012-03-06. Review status: criteria provided, single submitter. Criteria: LMM Criteria. Collection method: clinical testing. Allele origin: germline. Observed: 23 variant alleles.
Comment: Gly21476Gly in exon 275 of TTN: This variant is not expected to have clinical si gnificance because it does not alter an amino acid residue and has been identifi ed in 0.7% (46/6632) of European American chromosomes from a broad population by the NHLBI Exome Sequencing Project (dbSNP rs5 6169243).

Practice for Gait Abnormalities, David Pomarino, Competency Network Toe Walking C/o Practice Pomarino
Classification: Likely pathogenic for Tip-toe gait. Last evaluated: 2020-11-27. Review status: no assertion criteria provided. Collection method: clinical testing. Allele origin: germline. Affected: yes. Not counted in ClinVar's aggregate classification.
Comment: Myopathy refers to diseases that affect skeletal Muscles. These diseases attack muscle fibers, making muscles weak. Inherited myopathies are often caused by inheriting an abnormal gene mutation from a parent that causes the disease. Symptoms of congenital myopathies usually start at birth or in early childhood, but may not appear until the teen years or even later in adulthood. Congenital myopathies are somewhat unique compared with other inherited myopathies, as weakness typically affects all muscles and is often not progressive. Symptoms are: Muscle weakness, most commonly of upper arms and shoulders and thighs, muscle cramps, stiffness and spasms, fatigue with exertion and lack of energy. Our patients all walk on tiptoe, so they show similar symptoms. When we genetically test them with our toe walking panel, we find that around 90 per cent of them have a genetic variant that explains their toe walking. These can be assigned, for example, to the area of myopathies (such as variants of the COL6A3 gene), the area of hereditary neuropathies (such as variants of the KMT2C gene) or the area of metabolic diseases (such as variants of the PYGM gene). In a smaller group of patients with almost identical symptoms, no abnormality is found in the genes of our panel, but spastic paraplegia can be detected. In another small group of our toe walkers, no abnormalities can be detected in the genes analysed in our toe walking panel, nor do they suffer from spastic paraplegia, as is also the case with healthy children. In contrast to these, however, they show a tiptoe gait. These patients suffer from infantile cerebral palsy, in which toe walking can also be observed.

PreventionGenetics, part of Exact Sciences
Classification: Likely benign for TTN-related condition. Last evaluated: 2019-05-30. Review status: no assertion criteria provided. Collection method: clinical testing. Allele origin: germline. Not counted in ClinVar's aggregate classification.
Comment: This variant is classified as likely benign based on ACMG/AMP sequence variant interpretation guidelines (Richards et al. 2015 PMID: 25741868, with internal and published modifications).

Literature cited by the submitters: PubMed 37091313 (cited by Practice for Gait Abnormalities, David Pomarino, Competency Network Toe Walking C/o Practice Pomarino).

NM_001267550.2(TTN):c.72132T>C (p.Gly24044=)

Genes: TTN (titin; minus strand), TTN-AS1 (TTN antisense RNA 1; plus strand). Cytogenetic location: 2q31.2.
Variant type: single nucleotide variant.
Coding change: c.72132T>C on transcript NM_001267550.2 (MANE Select); coding-DNA position 72132, T replaced by C.
Protein change: p.Gly24044=; no amino-acid change (glycine 24044 retained).
Molecular consequence: synonymous variant.
Genome position (GRCh38, 1-based): chr2:178,574,000, A>G on the plus strand (T>C on the coding strand, the complement: TTN is on the minus strand). VCF-style: chr2-178574000-A-G. GRCh37 (hg19) VCF-style: chr2-179438727-A-G.
Other names: p.G21476G:GGT>GGC; p.Gly22403=; c.67209T>C, p.Gly22403= (NM_001256850.1); c.44937T>C, p.Gly14979= (NM_003319.4); c.64428T>C, p.Gly21476= (NM_133378.4); c.45312T>C, p.Gly15104= (NM_133432.3); c.45513T>C, p.Gly15171= (NM_133437.4).
Identifiers: ClinVar variation 47308 (VCV000047308.82), dbSNP rs56169243, ClinGen allele CA283729.